The following is an entry in ClinVar:

NM_000256.3(MYBPC3):c.371C>A (p.Ala124Asp)

Gene: MYBPC3 (myosin binding protein C3; minus strand). Cytogenetic location: 11p11.2.
Variant type: single nucleotide variant.
Coding change: c.371C>A on transcript NM_000256.3 (MANE Select); coding-DNA position 371, C replaced by A.
Protein change: p.Ala124Asp; replaces alanine 124 with aspartic acid.
Molecular consequence: missense variant.
Genome position (GRCh38, 1-based): chr11:47,350,537, G>T on the plus strand (C>A on the coding strand, the complement: MYBPC3 is on the minus strand). VCF-style: chr11-47350537-G-T. GRCh37 (hg19) VCF-style: chr11-47372088-G-T.
Other names: short protein forms A124D.
Identifiers: ClinVar variation 3073946 (VCV003073946.1), dbSNP rs2495783544, ClinGen allele CA380340528.
Genomic context (GRCh38, chr11:47,350,537, plus strand): 5'-CCCCTCCCTGCCCAGCCCCTCTCACCTTTGGGACTTGGGGCACTTTCTCCCAGCTCAGCG[G>T]CTGGGGCCGGGGCTTCTCCAGGGGCTCCAGTGGCCTCAGCAGGGGCAGGGGCAGGGGCCA-3'
Protein context (NP_000247.2, residues 114-134): TGAPGEAPAP[Ala124Asp]AELGESAPSP

ClinVar aggregate classification (germline): Uncertain significance (1 of 4 stars; one submission).

Conditions:
Hypertrophic cardiomyopathy. Also called: HYPERTROPHIC MYOCARDIOPATHY. Identifiers: Orphanet 217569, MedGen C0007194, MeSH D002312, MONDO:0005045, HP:0001639.

Submission:

All of Us Research Program, National Institutes of Health
Classification: Uncertain significance for Hypertrophic cardiomyopathy. Last evaluated: 2023-11-30. Review status: criteria provided, single submitter. Criteria: ACMG Guidelines, 2015. Collection method: clinical testing. Allele origin: germline. Inheritance: Autosomal dominant inheritance. Observed: 1 variant allele, 1 heterozygote.
Comment: This study involves interpretation of variants in research participants for the purpose of population health screening. Participant phenotype was not available at the time of variant classification. Additional details can be found in publication PMID: 35346344, PMCID: PMC8962531